The following is an entry in ClinVar:

ClinVar aggregate classification (germline): Uncertain significance (1 of 4 stars; one submission).

Conditions:
Infantile spasms. Also called: Infantile spasm. Identifiers: MedGen C3887898, HP:0012469.

Allele frequency attached by ClinVar (database versions not stated): gnomAD exomes below 0.00001.
gnomAD v4.1: 4 of 1,610,500 alleles (0.00025%); highest among the groups gnomAD compares: Non-Finnish European, 0.00025%; no homozygotes.

Submission:

Labcorp Genetics (formerly Invitae), Labcorp
Classification: Uncertain significance for Infantile spasms. Last evaluated: 2021-01-13. Review status: criteria provided, single submitter. Criteria: Invitae Variant Classification Sherloc (09022015). Collection method: clinical testing. Allele origin: germline.
Comment: Algorithms developed to predict the effect of missense changes on protein structure and function (SIFT, PolyPhen-2, Align-GVGD) all suggest that this variant is likely to be disruptive, but these predictions have not been confirmed by published functional studies and their clinical significance is uncertain. In summary, the available evidence is currently insufficient to determine the role of this variant in disease. Therefore, it has been classified as a Variant of Uncertain Significance. This variant has not been reported in the literature in individuals with PIK3AP1-related conditions. This variant is not present in population databases (ExAC no frequency). This sequence change replaces arginine with cysteine at codon 486 of the PIK3AP1 protein (p.Arg486Cys). The arginine residue is highly conserved and there is a large physicochemical difference between arginine and cysteine.

NM_152309.3(PIK3AP1):c.1456C>T (p.Arg486Cys)

Gene: PIK3AP1 (phosphoinositide-3-kinase adaptor protein 1; minus strand). Cytogenetic location: 10q24.1.
Variant type: single nucleotide variant.
Coding change: c.1456C>T on transcript NM_152309.3 (MANE Select); coding-DNA position 1456, C replaced by T.
Protein change: p.Arg486Cys; replaces arginine 486 with cysteine.
Molecular consequence: missense variant.
Genome position (GRCh38, 1-based): chr10:96,628,413, G>A on the plus strand (C>T on the coding strand, the complement: PIK3AP1 is on the minus strand). VCF-style: chr10-96628413-G-A. GRCh37 (hg19) VCF-style: chr10-98388170-G-A.
Other names: short protein forms R486C.
Identifiers: ClinVar variation 1431057 (VCV001431057.8), dbSNP rs1308742123, ClinGen allele CA377756537.